The following is an entry in ClinVar:

NM_001792.5(CDH2):c.714T>G (p.His238Gln)

Gene: CDH2 (cadherin 2; minus strand). Cytogenetic location: 18q12.1.
Variant type: single nucleotide variant.
Coding change: c.714T>G on transcript NM_001792.5 (MANE Select); coding-DNA position 714, T replaced by G.
Protein change: p.His238Gln; replaces histidine 238 with glutamine.
Molecular consequence: missense variant.
Genome position (GRCh38, 1-based): chr18:28,005,982, A>C on the plus strand (T>G on the coding strand, the complement: CDH2 is on the minus strand). VCF-style: chr18-28005982-A-C. GRCh37 (hg19) VCF-style: chr18-25585946-A-C.
Other names: c.621T>G, p.His207Gln (NM_001308176.2); short protein forms H207Q, H238Q.
Identifiers: ClinVar variation 1694868 (VCV001694868.31), dbSNP rs2144017980, ClinGen allele CA402243352.

ClinVar aggregate classification (germline): Uncertain significance (1 of 4 stars; one submission).

Submission:

CeGaT Center for Human Genetics Tuebingen
Classification: Uncertain significance. Last evaluated: 2022-04-01. Review status: criteria provided, single submitter. Criteria: CeGaT Center For Human Genetics Tuebingen Variant Classification Criteria Version 2. Collection method: clinical testing. Allele origin: germline. Affected: yes. Observed: 1 variant allele.
Comment: CDH2: PM2, PS2:Moderate